The following is an entry in ClinVar:

NM_000338.3(SLC12A1):c.1875G>A (p.Trp625Ter)

Genes: SLC12A1 (solute carrier family 12 member 1; plus strand), LOC126862123 (CDK7 strongly-dependent group 2 enhancer GRCh37_chr15:48543423-48544622; plus strand). Cytogenetic location: 15q21.1.
Variant type: single nucleotide variant.
Coding change: c.1875G>A on transcript NM_000338.3 (MANE Select); coding-DNA position 1875, G replaced by A.
Protein change: p.Trp625Ter; replaces tryptophan 625 with a stop codon.
Molecular consequence: nonsense.
Genome position (GRCh38, 1-based): chr15:48,251,703, G>A. VCF-style: chr15-48251703-G-A. GRCh37 (hg19) VCF-style: chr15-48543900-G-A.
Other names: c.1875G>A, p.Trp625Ter (NM_001184832.2); c.1875G>A (NM_000338.2); short protein forms W625*.
Identifiers: ClinVar variation 8754 (VCV000008754.7), dbSNP rs137853159, ClinGen allele CA119890.

ClinVar aggregate classification (germline): Pathogenic. Review status: criteria provided, single submitter (1 of 4 stars). 3 submissions from 3 submitters: Pathogenic (1). 2 of the submissions do not count toward it. Last evaluated 2025-11-09.

Conditions:
SLC12A1-related disorder. Also called: SLC12A1-related condition.
Bartter disease type 1. Also called: Bartter Syndrome type 1; Bartter syndrome, type 1, antenatal; HYPERPROSTAGLANDIN E SYNDROME 1; HYPOKALEMIC ALKALOSIS WITH HYPERCALCIURIA 1, ANTENATAL. Identifiers: Orphanet 112, Orphanet 620217, MedGen C1866495, MONDO:0100344, OMIM 601678, MONDO:0011127.

Allele frequency attached by ClinVar (database versions not stated): gnomAD 0.00033 and 0.00032; gnomAD exomes 0.00009; TOPMed 0.00020.
gnomAD v4.1: 72 of 1,613,608 alleles (0.0045%); highest among the groups gnomAD compares: Admixed American, 0.12%; no homozygotes.

Submissions (3):

Labcorp Genetics (formerly Invitae), Labcorp
Classification: Pathogenic. Last evaluated: 2025-11-09. Review status: criteria provided, single submitter. Criteria: Invitae Variant Classification Sherloc (09022015). Collection method: clinical testing. Allele origin: germline.
Comment: This sequence change creates a premature translational stop signal (p.Trp625*) in the SLC12A1 gene. It is expected to result in an absent or disrupted protein product. Loss-of-function variants in SLC12A1 are known to be pathogenic (PMID: 8640224, 9585600, 19096086). This variant is present in population databases (rs137853159, gnomAD 0.06%). This premature translational stop signal has been observed in individual(s) with Bartter syndrome (PMID: 9355073). ClinVar contains an entry for this variant (Variation ID: 8754). For these reasons, this variant has been classified as Pathogenic.

PreventionGenetics, part of Exact Sciences
Classification: Pathogenic for SLC12A1-related condition. Last evaluated: 2023-12-15. Review status: no assertion criteria provided. Collection method: clinical testing. Allele origin: germline. Not counted in ClinVar's aggregate classification.
Comment: The SLC12A1 c.1875G>A variant is predicted to result in premature protein termination (p.Trp625*). This variant was reported in the homozygous state in many Costa Rican patients with antenatal Bartter syndrome and is considered a founder variant in this population (Kurtz et al 1997. PubMed ID: 9355073).This variant is reported in 0.064% of alleles in individuals of Latino descent in gnomAD. Nonsense variants in SLC12A1 are expected to be pathogenic. This variant is interpreted as pathogenic.

OMIM
Classification: Pathogenic for BARTTER SYNDROME, TYPE 1, ANTENATAL. Last evaluated: 1997-11-01. Review status: no assertion criteria provided. Collection method: literature only. Allele origin: germline. Not counted in ClinVar's aggregate classification.

Literature cited by the submitters: PubMed 8640224 (cited by Labcorp Genetics (formerly Invitae), Labcorp); PubMed 9585600 (cited by Labcorp Genetics (formerly Invitae), Labcorp); PubMed 19096086 (cited by Labcorp Genetics (formerly Invitae), Labcorp); PubMed 9355073 (cited by Labcorp Genetics (formerly Invitae), Labcorp and OMIM).